The following is an entry in ClinVar:

ClinVar aggregate classification (germline): Uncertain significance. Review status: criteria provided, multiple submitters, no conflicts (2 of 4 stars). 3 submissions from 3 submitters: Uncertain significance (3). Last evaluated 2026-02-23.

Conditions:
Cutis laxa. Identifiers: Orphanet 209, MedGen C0010495, MONDO:0016175, HP:0000973.
Inborn genetic diseases. Identifiers: MedGen C0950123, MeSH D030342.

Allele frequency attached by ClinVar (database versions not stated): ExAC 0.00004; gnomAD exomes 0.00004 and 0.00006; TOPMed 0.00005; gnomAD 0.00007; ESP Exome Variant Server 0.00008.

Submissions (3):

GeneDx
Classification: Uncertain significance. Last evaluated: 2026-02-23. Review status: criteria provided, single submitter. Criteria: GeneDx Variant Classification Process June 2021. Collection method: clinical testing. Allele origin: germline.
Comment: Not observed at significant frequency in large population cohorts (gnomAD); In silico analysis suggests that this missense variant does not alter protein structure/function; Has not been previously published as pathogenic or benign to our knowledge

Ambry Genetics
Classification: Uncertain significance for Inborn genetic diseases. Last evaluated: 2024-09-11. Review status: criteria provided, single submitter. Criteria: Ambry Variant Classification Scheme 2023. Collection method: clinical testing. Allele origin: germline.

Illumina Laboratory Services, Illumina
Classification: Uncertain significance for Cutis laxa. Last evaluated: 2018-01-12. Review status: criteria provided, single submitter. Criteria: ICSL Variant Classification Criteria 13 December 2019. Collection method: clinical testing. Allele origin: germline.

NM_006907.4(PYCR1):c.902C>T (p.Ser301Leu)

Gene: PYCR1 (pyrroline-5-carboxylate reductase 1; minus strand). Cytogenetic location: 17q25.3.
Variant type: single nucleotide variant.
Coding change: c.902C>T on transcript NM_006907.4 (MANE Select); coding-DNA position 902, C replaced by T.
Protein change: p.Ser301Leu; replaces serine 301 with leucine.
Molecular consequence: missense variant. On other transcripts: 3 prime UTR variant (1), intron variant (1).
Genome position (GRCh38, 1-based): chr17:81,933,272, G>A on the plus strand (C>T on the coding strand, the complement: PYCR1 is on the minus strand). VCF-style: chr17-81933272-G-A. GRCh37 (hg19) VCF-style: chr17-79891148-G-A.
Other names: c.809C>T, p.Ser270Leu (NM_001282279.2); c.902C>T, p.Ser301Leu (NM_001282280.2); c.983C>T, p.Ser328Leu (NM_001282281.2); c.*84C>T (NM_001330523.2); c.867+35C>T (NM_153824.3); short protein forms S301L, S270L, S328L.
Identifiers: ClinVar variation 889467 (VCV000889467.6), dbSNP rs373840170, ClinGen allele CA8845235.